The following is an entry in ClinVar:

NM_000494.4(COL17A1):c.505C>T (p.Arg169Ter)

Gene: COL17A1 (collagen type XVII alpha 1 chain; minus strand). Cytogenetic location: 10q25.1.
Variant type: single nucleotide variant.
Coding change: c.505C>T on transcript NM_000494.4 (MANE Select); coding-DNA position 505, C replaced by T.
Protein change: p.Arg169Ter; replaces arginine 169 with a stop codon.
Molecular consequence: nonsense.
Genome position (GRCh38, 1-based): chr10:104,070,528, G>A on the plus strand (C>T on the coding strand, the complement: COL17A1 is on the minus strand). VCF-style: chr10-104070528-G-A. GRCh37 (hg19) VCF-style: chr10-105830286-G-A.
Other names: short protein forms R169*.
Identifiers: ClinVar variation 1029877 (VCV001029877.2), dbSNP rs1564684815, ClinGen allele CA378079125.

ClinVar aggregate classification (germline): Pathogenic. Review status: criteria provided, multiple submitters, no conflicts (2 of 4 stars). 2 submissions from 2 submitters: Pathogenic (2). Last evaluated 2020-04-16.

Conditions:
Junctional epidermolysis bullosa, non-Herlitz type. Also called: Adult junctional epidermolysis bullosa; COL17A1-Related Junctional Epidermolysis Bullosa; EPIDERMOLYSIS BULLOSA, JUNCTIONAL 1A, INTERMEDIATE; Epidermolysis bullosa, junctional, non-herlitz type, somatic mosaic revertant; EPIDERMOLYSIS BULLOSA JUNCTIONALIS, DISENTIS TYPE; EPIDERMOLYSIS BULLOSA JUNCTIONALIS, NON-HERLITZ TYPE. Identifiers: Orphanet 251393, Orphanet 79402, Orphanet 79405, Orphanet 89840, MedGen C0268374, MONDO:0009180, OMIM 226650.
COL17A1-related disorders.

Submissions (2):

Blueprint Genetics
Classification: Pathogenic for COL17A1-related disorders. Last evaluated: 2020-04-16. Review status: criteria provided, single submitter. Criteria: ACMG Guidelines, 2015. Collection method: clinical testing. Allele origin: germline. Affected: yes. Observed: 1 variant allele.

Baylor Genetics
Classification: Pathogenic for Junctional epidermolysis bullosa, non-Herlitz type. Last evaluated: 2020-02-16. Review status: criteria provided, single submitter. Criteria: ACMG Guidelines, 2015. Collection method: clinical testing. Allele origin: unknown. Affected: yes.
Comment: This variant was determined to be pathogenic according to ACMG Guidelines, 2015 [PMID:25741868].